The following is an entry in ClinVar:

NM_032578.4(MYPN):c.1549G>A (p.Ala517Thr)

Gene: MYPN (myopalladin; plus strand). Cytogenetic location: 10q21.3.
Variant type: single nucleotide variant.
Coding change: c.1549G>A on transcript NM_032578.4 (MANE Select); coding-DNA position 1549, G replaced by A.
Protein change: p.Ala517Thr; replaces alanine 517 with threonine.
Molecular consequence: missense variant. On other transcripts: non-coding transcript variant (2).
Genome position (GRCh38, 1-based): chr10:68,165,767, G>A. VCF-style: chr10-68165767-G-A. GRCh37 (hg19) VCF-style: chr10-69925524-G-A.
Other names: c.1549G>A, p.Ala517Thr (NM_001256267.2); c.667G>A, p.Ala223Thr (NM_001256268.2); short protein forms A223T, A517T.
Identifiers: ClinVar variation 2563972 (VCV002563972.2), dbSNP rs2043043322, ClinGen allele CA376838205.

ClinVar aggregate classification (germline): Uncertain significance (1 of 4 stars; one submission).

Conditions:
Cardiovascular phenotype. Identifiers: MedGen CN230736.

Allele frequency attached by ClinVar (database versions not stated): gnomAD exomes below 0.00001; TOPMed below 0.00001.
gnomAD v4.1: 1 of 1,614,178 alleles (0.000062%); highest among the groups gnomAD compares: Non-Finnish European, 0.000085%; no homozygotes.

Submission:

Ambry Genetics
Classification: Uncertain significance for Cardiovascular phenotype. Last evaluated: 2023-04-16. Review status: criteria provided, single submitter. Criteria: Ambry Variant Classification Scheme 2023. Collection method: clinical testing. Allele origin: germline.
Comment: The p.A517T variant (also known as c.1549G>A), located in coding exon 8 of the MYPN gene, results from a G to A substitution at nucleotide position 1549. The alanine at codon 517 is replaced by threonine, an amino acid with similar properties. This amino acid position is conserved. In addition, this alteration is predicted to be deleterious by in silico analysis. Since supporting evidence is limited at this time, the clinical significance of this alteration remains unclear.